The following is an entry in ClinVar:

ClinVar aggregate classification (germline): Uncertain significance (0 of 4 stars; one submission).

Conditions:
Prostate cancer. Also called: Malignant tumor of prostate. Identifiers: Orphanet 1331, MedGen C0376358, MONDO:0008315, HP:0012125.

gnomAD v4.1: 2 of 1,613,918 alleles (0.00012%); highest among the groups gnomAD compares: Non-Finnish European, 0.00017%; no homozygotes.

Submission:

Science for Life laboratory,  Karolinska Institutet
Classification: Uncertain significance for Malignant tumor of prostate. Review status: no assertion criteria provided. Collection method: not provided. Allele origin: somatic.
Comment: TumorID:SWE-92C
ClinVar note: Converted during submission from Unknown to Uncertain significance.

NM_178150.3(FBH1):c.2107C>T (p.Arg703Trp)

Gene: FBH1 (F-box DNA helicase 1; plus strand). Cytogenetic location: 10p15.1.
Variant type: single nucleotide variant.
Coding change: c.2107C>T on transcript NM_178150.3 (MANE Select); coding-DNA position 2107, C replaced by T.
Protein change: p.Arg703Trp; replaces arginine 703 with tryptophan.
Molecular consequence: missense variant.
Genome position (GRCh38, 1-based): chr10:5,921,264, C>T. VCF-style: chr10-5921264-C-T. GRCh37 (hg19) VCF-style: chr10-5963227-C-T.
Other names: c.1885C>T, p.Arg629Trp (NM_001258452.2, NM_001258453.2); c.2260C>T, p.Arg754Trp (NM_032807.5); short protein forms R754W, R629W, R703W.
Identifiers: ClinVar variation 161784 (VCV000161784.2), dbSNP rs193921138, ClinGen allele CA174778.
Genomic context (GRCh38, chr10:5,921,264, plus strand): 5'-GCACGGACACACCACAGGGCGGGCTGCTGACTCCCTCTGTCTTGTTGTTTTCAGAGTTTT[C>T]GGTTTGGTGTGGAAATAGCTTATGTGGGAGCTACTATCTTGGATGTTTGCAAGAGAGTCA-3'
Protein context (NP_835363.1, residues 693-713): THVFYLTQSF[Arg703Trp]FGVEIAYVGA